The following is an entry in ClinVar:

NM_003737.4(DCHS1):c.2266G>T (p.Val756Leu)

Gene: DCHS1 (dachsous cadherin-related 1; minus strand). Cytogenetic location: 11p15.4.
Variant type: single nucleotide variant.
Coding change: c.2266G>T on transcript NM_003737.4 (MANE Select); coding-DNA position 2266, G replaced by T.
Protein change: p.Val756Leu; replaces valine 756 with leucine.
Molecular consequence: missense variant.
Genome position (GRCh38, 1-based): chr11:6,633,601, C>A on the plus strand (G>T on the coding strand, the complement: DCHS1 is on the minus strand). VCF-style: chr11-6633601-C-A. GRCh37 (hg19) VCF-style: chr11-6654832-C-A.
Other names: short protein forms V756L.
Identifiers: ClinVar variation 2100875 (VCV002100875.4), dbSNP rs747279643, ClinGen allele CA379422699.

ClinVar aggregate classification (germline): Uncertain significance (1 of 4 stars; one submission).

gnomAD v4.1: 3 of 1,599,014 alleles (0.00019%); highest among the groups gnomAD compares: Non-Finnish European, 0.00017%; no homozygotes.

Submission:

Labcorp Genetics (formerly Invitae), Labcorp
Classification: Uncertain significance. Last evaluated: 2022-02-21. Review status: criteria provided, single submitter. Criteria: Invitae Variant Classification Sherloc (09022015). Collection method: clinical testing. Allele origin: germline.
Comment: This sequence change replaces valine, which is neutral and non-polar, with leucine, which is neutral and non-polar, at codon 756 of the DCHS1 protein (p.Val756Leu). This variant is not present in population databases (gnomAD no frequency). This variant has not been reported in the literature in individuals affected with DCHS1-related conditions. Advanced modeling of protein sequence and biophysical properties (such as structural, functional, and spatial information, amino acid conservation, physicochemical variation, residue mobility, and thermodynamic stability) performed at Invitae indicates that this missense variant is not expected to disrupt DCHS1 protein function. Algorithms developed to predict the effect of sequence changes on RNA splicing suggest that this variant may create or strengthen a splice site. In summary, the available evidence is currently insufficient to determine the role of this variant in disease. Therefore, it has been classified as a Variant of Uncertain Significance.